The following is an entry in ClinVar:

NM_000455.5(STK11):c.1253G>T (p.Cys418Phe)

Gene: STK11 (serine/threonine kinase 11; plus strand). Cytogenetic location: 19p13.3.
Variant type: single nucleotide variant.
Coding change: c.1253G>T on transcript NM_000455.5 (MANE Select); coding-DNA position 1253, G replaced by T.
Protein change: p.Cys418Phe; replaces cysteine 418 with phenylalanine.
Molecular consequence: missense variant. On other transcripts: non-coding transcript variant (1).
Genome position (GRCh38, 1-based): chr19:1,226,598, G>T. VCF-style: chr19-1226598-G-T. GRCh37 (hg19) VCF-style: chr19-1226597-G-T.
Other names: short protein forms C418F.
Identifiers: ClinVar variation 2774546 (VCV002774546.2), dbSNP rs878853986, ClinGen allele CA402954032.
Genomic context (GRCh38, chr19:1,226,598, plus strand): 5'-CGCAGCTGAGCACCAAATCCAGGGCGGAGGGCCGGGCCCCCAACCCTGCCCGCAAGGCCT[G>T]CTCCGCCAGCAGCAAGATCCGCCGGCTGTCGGCCTGCAAGCAGCAGTGAGGCTGGCCGCC-3'
Protein context (NP_000446.1, residues 408-428): GRAPNPARKA[Cys418Phe]SASSKIRRLS

ClinVar aggregate classification (germline): Uncertain significance (1 of 4 stars; one submission).

Conditions:
Hereditary cancer-predisposing syndrome. Also called: Neoplastic Syndromes, Hereditary; Tumor predisposition; Hereditary Cancer Syndrome; Hereditary neoplastic syndrome. Identifiers: Orphanet 140162, MedGen C0027672, MeSH D009386, MONDO:0015356.

Submission:

Color Diagnostics, LLC DBA Color Health
Classification: Uncertain significance for Hereditary cancer-predisposing syndrome. Last evaluated: 2024-03-07. Review status: criteria provided, single submitter. Criteria: ACMG Guidelines, 2015. Collection method: clinical testing. Allele origin: germline.
Comment: This missense variant replaces cysteine with phenylalanine at codon 418 of the STK11 protein. Computational prediction suggests that this variant may not impact protein structure and function (internally defined REVEL score threshold <= 0.5, PMID: 27666373). To our knowledge, functional studies have not been reported for this variant. This variant has not been reported in individuals affected with hereditary cancer in the literature. This variant has not been identified in the general population by the Genome Aggregation Database (gnomAD). The available evidence is insufficient to determine the role of this variant in disease conclusively. Therefore, this variant is classified as a Variant of Uncertain Significance.